The following is an entry in ClinVar:

NM_000535.7(PMS2):c.392T>C (p.Val131Ala)

Gene: PMS2 (PMS1 homolog 2, mismatch repair system component; minus strand). Cytogenetic location: 7p22.1.
Variant type: single nucleotide variant.
Coding change: c.392T>C on transcript NM_000535.7 (MANE Select); coding-DNA position 392, T replaced by C.
Protein change: p.Val131Ala; replaces valine 131 with alanine.
Molecular consequence: missense variant. On other transcripts: 5 prime UTR variant (8), non-coding transcript variant (1).
Genome position (GRCh38, 1-based): chr7:6,002,598, A>G on the plus strand (T>C on the coding strand, the complement: PMS2 is on the minus strand). VCF-style: chr7-6002598-A-G. GRCh37 (hg19) VCF-style: chr7-6042229-A-G.
Other names: c.-14T>C (NM_001322003.2, NM_001322004.2, NM_001322005.2 and 3 more transcripts); c.392T>C, p.Val131Ala (NM_001322006.2, NM_001322014.2); c.74T>C, p.Val25Ala (NM_001322007.2, NM_001322008.2); c.-493T>C (NM_001322011.2, NM_001322012.2); c.83T>C, p.Val28Ala (NM_001322015.2); c.392T>C (NM_000535.5); short protein forms V131A, V25A, V28A.
Identifiers: ClinVar variation 922004 (VCV000922004.14), dbSNP rs1785226633, ClinGen allele CA366744440.

ClinVar aggregate classification (germline): Uncertain significance. Review status: criteria provided, multiple submitters, no conflicts (2 of 4 stars). 3 submissions from 3 submitters: Uncertain significance (3). Last evaluated 2025-02-20.

Conditions:
Hereditary nonpolyposis colorectal neoplasms. Identifiers: MedGen C0009405, MeSH D003123.
Hereditary cancer-predisposing syndrome. Also called: Neoplastic Syndromes, Hereditary; Tumor predisposition; Hereditary Cancer Syndrome; Hereditary neoplastic syndrome. Identifiers: Orphanet 140162, MedGen C0027672, MeSH D009386, MONDO:0015356.

Allele frequency attached by ClinVar (database versions not stated): gnomAD exomes below 0.00001; gnomAD 0.00001.
gnomAD v4.1: 3 of 1,611,804 alleles (0.00019%); highest among the groups gnomAD compares: South Asian, 0.0022%; no homozygotes.

Submissions (3):

Ambry Genetics
Classification: Uncertain significance for Hereditary cancer-predisposing syndrome. Last evaluated: 2025-02-20. Review status: criteria provided, single submitter. Criteria: Ambry Variant Classification Scheme 2023. Collection method: clinical testing. Allele origin: germline.
Comment: The p.V131A variant (also known as c.392T>C), located in coding exon 5 of the PMS2 gene, results from a T to C substitution at nucleotide position 392. The valine at codon 131 is replaced by alanine, an amino acid with similar properties. This amino acid position is conserved. In addition, the in silico prediction for this alteration is inconclusive. Based on the available evidence, the clinical significance of this variant remains unclear.

Labcorp Genetics (formerly Invitae), Labcorp
Classification: Uncertain significance for Hereditary nonpolyposis colorectal neoplasms. Last evaluated: 2024-01-10. Review status: criteria provided, single submitter. Criteria: Invitae Variant Classification Sherloc (09022015). Collection method: clinical testing. Allele origin: germline.
Comment: This sequence change replaces valine, which is neutral and non-polar, with alanine, which is neutral and non-polar, at codon 131 of the PMS2 protein (p.Val131Ala). This variant is not present in population databases (gnomAD no frequency). This variant has not been reported in the literature in individuals affected with PMS2-related conditions. ClinVar contains an entry for this variant (Variation ID: 922004). Advanced modeling of protein sequence and biophysical properties (such as structural, functional, and spatial information, amino acid conservation, physicochemical variation, residue mobility, and thermodynamic stability) has been performed at Invitae for this missense variant, however the output from this modeling did not meet the statistical confidence thresholds required to predict the impact of this variant on PMS2 protein function. In summary, the available evidence is currently insufficient to determine the role of this variant in disease. Therefore, it has been classified as a Variant of Uncertain Significance.

Color Diagnostics, LLC DBA Color Health
Classification: Uncertain significance for Hereditary cancer-predisposing syndrome. Last evaluated: 2023-12-04. Review status: criteria provided, single submitter. Criteria: ACMG Guidelines, 2015. Collection method: clinical testing. Allele origin: germline.
Comment: This missense variant replaces valine with alanine at codon 131 of the PMS2 protein. Computational prediction is inconclusive regarding the impact of this variant on protein structure and function (internally defined REVEL score threshold 0.5 < inconclusive < 0.7, PMID: 27666373). To our knowledge, functional studies have not been reported for this variant. This variant has not been reported in individuals affected with PMS2-related disorders in the literature. This variant has not been identified in the general population by the Genome Aggregation Database (gnomAD). The available evidence is insufficient to determine the role of this variant in disease conclusively. Therefore, this variant is classified as a Variant of Uncertain Significance.